The following is an entry in ClinVar:

NM_002979.5(SCP2):c.15G>T (p.Pro5=)

Gene: SCP2 (sterol carrier protein 2; plus strand). Cytogenetic location: 1p32.3.
Variant type: single nucleotide variant.
Coding change: c.15G>T on transcript NM_002979.5 (MANE Select); coding-DNA position 15, G replaced by T.
Protein change: p.Pro5=; no amino-acid change (proline 5 retained).
Molecular consequence: synonymous variant. On other transcripts: 5 prime UTR variant (1).
Genome position (GRCh38, 1-based): chr1:52,927,411, G>T. VCF-style: chr1-52927411-G-T. GRCh37 (hg19) VCF-style: chr1-53393083-G-T.
Other names: c.15G>T, p.Pro5= (NM_001007098.3, NM_001193599.2, NM_001193600.2 and 1 more transcripts); c.15G>T (NM_002979.4); c.-171G>T (NM_001193617.2).
Identifiers: ClinVar variation 596443 (VCV000596443.13), dbSNP rs147697594, ClinGen allele CA856981.
Genomic context (GRCh38, chr1:52,927,411, plus strand): 5'-CGGCAGTCGTCCGCGGCGCCCGCCCCGGTCCCGCACTGGTGCAGCCATGTCCTCTTCCCC[G>T]TGGGAGCCTGCGACCCTGCGCCGGGTGTTCGTGGTGGGGGTTGGCATGACCAAGGTAAAC-3'
Protein context (NP_002970.2, residues 1-15): MSSS[Pro5=]WEPATLRRVF

ClinVar aggregate classification (germline): Conflicting classifications of pathogenicity. Review status: criteria provided, conflicting classifications (1 of 4 stars). 3 submissions from 3 submitters: Uncertain significance (1); Likely benign (2). Last evaluated 2025-06-02.

Conditions:
SCP2-related disorder. Also called: SCP2-related condition.

Allele frequency attached by ClinVar (database versions not stated): ExAC 0.00002; gnomAD exomes 0.00002; ESP Exome Variant Server 0.00008; gnomAD 0.00013 and 0.00014; TOPMed 0.00016.
gnomAD v4.1: 39 of 1,598,134 alleles (0.0024%); highest among the groups gnomAD compares: African/African-American, 0.047%; no homozygotes.

Submissions (3):

Labcorp Genetics (formerly Invitae), Labcorp
Classification: Likely benign. Last evaluated: 2025-06-02. Review status: criteria provided, single submitter. Criteria: Invitae Variant Classification Sherloc (09022015). Collection method: clinical testing. Allele origin: germline.

PreventionGenetics, part of Exact Sciences
Classification: Likely benign for SCP2-related condition. Last evaluated: 2024-12-27. Review status: criteria provided, single submitter. Criteria: ACMG Guidelines, 2015. Collection method: clinical testing. Allele origin: germline.
Comment: This variant is classified as likely benign based on ACMG/AMP sequence variant interpretation guidelines (Richards et al. 2015 PMID: 25741868, with internal and published modifications).

Eurofins Ntd Llc (ga)
Classification: Uncertain significance. Last evaluated: 2018-03-13. Review status: criteria provided, single submitter. Criteria: EGL ClinVar v180209 classification definitions. Collection method: clinical testing. Allele origin: germline. Observed: 1 variant allele, 1 heterozygote.